The following is an entry in ClinVar:

ClinVar aggregate classification (germline): Likely benign (0 of 4 stars; one submission).

Conditions:
COL11A1-related disorder. Also called: COL11A1-related condition; COL11A1-related disorders.

gnomAD v4.1: 2 of 1,030,590 alleles (0.00019%); highest among the groups gnomAD compares: Non-Finnish European, 0.00031%; no homozygotes.

Submission:

PreventionGenetics, part of Exact Sciences
Classification: Likely benign for COL11A1-related condition. Last evaluated: 2024-09-07. Review status: no assertion criteria provided. Collection method: clinical testing. Allele origin: germline.
Comment: This variant is classified as likely benign based on ACMG/AMP sequence variant interpretation guidelines (Richards et al. 2015 PMID: 25741868, with internal and published modifications).

NM_001854.4(COL11A1):c.781-63C>T

Gene: COL11A1 (collagen type XI alpha 1 chain; minus strand). Cytogenetic location: 1p21.1.
Variant type: single nucleotide variant.
Coding change: c.781-63C>T on transcript NM_001854.4 (MANE Select); 63 bases into the intron before coding-DNA position 781, C replaced by T.
Molecular consequence: intron variant.
Genome position (GRCh38, 1-based): chr1:103,026,395, G>A on the plus strand (C>T on the coding strand, the complement: COL11A1 is on the minus strand). VCF-style: chr1-103026395-G-A. GRCh37 (hg19) VCF-style: chr1-103491951-G-A.
Other names: c.781-782C>T (NM_001190709.2); c.781-443C>T (NM_080629.3); c.781-63C>T (NM_080630.4).
Identifiers: ClinVar variation 3344875 (VCV003344875.1).
Genomic context (GRCh38, chr1:103,026,395, plus strand): 5'-ACATTGCAAAGGAAAAAATATCAGGCAATTGTGTTAGTGGCAAAATACTATTCACAAAGT[G>A]AGAACCATCTTAACTTTTACATAGTGTAAATGTTAAGAGATAAGAAATTAATGTTATTGA-3'